The following is an entry in ClinVar:

NM_015047.3(EMC1):c.2977C>G (p.Arg993Gly)

Genes: EMC1 (ER membrane protein complex subunit 1; minus strand), EMC1-AS1 (EMC1 antisense RNA 1; plus strand). Cytogenetic location: 1p36.13.
Variant type: single nucleotide variant.
Coding change: c.2977C>G on transcript NM_015047.3 (MANE Select); coding-DNA position 2977, C replaced by G.
Protein change: p.Arg993Gly; replaces arginine 993 with glycine.
Molecular consequence: missense variant.
Genome position (GRCh38, 1-based): chr1:19,219,308, G>C on the plus strand (C>G on the coding strand, the complement: EMC1 is on the minus strand). VCF-style: chr1-19219308-G-C. GRCh37 (hg19) VCF-style: chr1-19545802-G-C.
Other names: c.2974C>G, p.Arg992Gly (NM_001271427.2, NM_001271428.2); c.2911C>G, p.Arg971Gly (NM_001271429.2); c.2986C>G, p.Arg996Gly (NM_001375820.1); c.2983C>G, p.Arg995Gly (NM_001375821.1); short protein forms R971G, R993G, R996G, R995G, R992G.
Identifiers: ClinVar variation 4618462 (VCV004618462.1).

ClinVar aggregate classification (germline): Uncertain significance (1 of 4 stars; one submission).

Conditions:
Inborn genetic diseases. Identifiers: MedGen C0950123, MeSH D030342.

gnomAD v4.1: 8 of 1,613,706 alleles (0.0005%); highest among the groups gnomAD compares: Non-Finnish European, 0.00068%; no homozygotes.

Submission:

Ambry Genetics
Classification: Uncertain significance for Inborn genetic diseases. Last evaluated: 2025-11-07. Review status: criteria provided, single submitter. Criteria: Ambry Variant Classification Scheme 2023. Collection method: clinical testing. Allele origin: germline.
Comment: The c.2977C>G (p.R993G) alteration is located in exon 23 (coding exon 23) of the EMC1 gene. This alteration results from a C to G substitution at nucleotide position 2977, causing the arginine (R) at amino acid position 993 to be replaced by a glycine (G). Based on data from gnomAD, the G allele has an overall frequency of 0.001% (3/251338) total alleles studied. The highest observed frequency was 0.003% (3/113682) of European (non-Finnish) alleles. Based on insufficient or conflicting evidence, the clinical significance of this alteration remains unclear.